The following is an entry in ClinVar:

NM_133642.5(LARGE1):c.895G>A (p.Val299Met)

Gene: LARGE1 (LARGE xylosyl- and glucuronyltransferase 1; minus strand). Cytogenetic location: 22q12.3.
Variant type: single nucleotide variant.
Coding change: c.895G>A on transcript NM_133642.5 (MANE Select); coding-DNA position 895, G replaced by A.
Protein change: p.Val299Met; replaces valine 299 with methionine.
Molecular consequence: missense variant.
Genome position (GRCh38, 1-based): chr22:33,384,302, C>T on the plus strand (G>A on the coding strand, the complement: LARGE1 is on the minus strand). VCF-style: chr22-33384302-C-T. GRCh37 (hg19) VCF-style: chr22-33780288-C-T.
Other names: c.895G>A, p.Val299Met (NM_001362949.2, NM_001362951.2, NM_001362953.2 and 7 more transcripts); c.292G>A, p.Val98Met (NM_001378630.1, NM_001378631.1); short protein forms V299M, V98M.
Identifiers: ClinVar variation 1339194 (VCV001339194.2), dbSNP rs1490201857, ClinGen allele CA411545263.

ClinVar aggregate classification (germline): Uncertain significance (1 of 4 stars; one submission).

Conditions:
Muscular dystrophy-dystroglycanopathy type B6 (MDDGB6). Also called: MUSCULAR DYSTROPHY, CONGENITAL, LARGE-RELATED; MUSCULAR DYSTROPHY, CONGENITAL, TYPE 1D; MUSCULAR DYSTROPHY-DYSTROGLYCANOPATHY (CONGENITAL WITH IMPAIRED INTELLECTUAL DEVELOPMENT), TYPE B, 6. Identifiers: MedGen C1837229, MONDO:0012138, OMIM 608840.

Allele frequency attached by ClinVar (database versions not stated): gnomAD exomes below 0.00001 and 0.00001; TOPMed below 0.00001.
gnomAD v4.1: 8 of 1,610,946 alleles (0.0005%); highest among the groups gnomAD compares: South Asian, 0.0022%; no homozygotes.

Submission:

Neuberg Centre For Genomic Medicine, NCGM
Classification: Uncertain significance for Muscular dystrophy-dystroglycanopathy type B6. Review status: criteria provided, single submitter. Criteria: ACMG Guidelines, 2015. Collection method: clinical testing. Allele origin: germline. Affected: yes.
Comment: The missense variant p.V299M in LARGE1 (NM_004737.7) has not been reported previously as a pathogenic variant nor as a benign variant, to our knowledge. The p.V299M variant is observed in 1/1,13,626 (0.0009%) alleles from individuals of European (Non-Finnish) background in gnomAD Exomes and is novel (not in any individuals) in 1000 Genomes. The p.V299M missense variant is predicted to be damaging by both SIFT and PolyPhen2. The valine residue at codon 299 of LARGE1 is conserved in all mammalian species. The nucleotide c.895 in LARGE1 is predicted conserved by GERP++ and PhyloP across 100 vertebrates. For these reasons, this variant has been classified as Uncertain Significance.